The following is an entry in ClinVar:

ClinVar aggregate classification (germline): Uncertain significance (1 of 4 stars; one submission).

Submission:

CeGaT Center for Human Genetics Tuebingen
Classification: Uncertain significance. Last evaluated: 2026-09-01. Review status: criteria provided, single submitter. Criteria: CeGaT Center For Human Genetics Tuebingen Variant Classification Criteria Version 2. Collection method: clinical testing. Allele origin: germline. Affected: yes. Observed: 1 variant allele.
Comment: XIAP: PM2, PP4

NM_001167.4(XIAP):c.560C>G (p.Ala187Gly)

Gene: XIAP (X-linked inhibitor of apoptosis; plus strand). Cytogenetic location: Xq25.
Variant type: single nucleotide variant.
Coding change: c.560C>G on transcript NM_001167.4 (MANE Select); coding-DNA position 560, C replaced by G.
Protein change: p.Ala187Gly; replaces alanine 187 with glycine.
Molecular consequence: missense variant.
Genome position (GRCh38, 1-based): chrX:123,886,222, C>G. VCF-style: chrX-123886222-C-G. GRCh37 (hg19) VCF-style: chrX-123020072-C-G.
Other names: c.560C>G, p.Ala187Gly (NM_001204401.2, NM_001378590.1, NM_001378591.1 and 1 more transcripts); short protein forms A187G.
Identifiers: ClinVar variation 5041695 (VCV005041695.1).